The following is an entry in ClinVar:

ClinVar aggregate classification (germline): Likely benign (1 of 4 stars; one submission).

Allele frequency attached by ClinVar (database versions not stated): gnomAD exomes below 0.00001.
gnomAD v4.1: 5 of 1,606,140 alleles (0.00031%); highest among the groups gnomAD compares: Non-Finnish European, 0.00043%; no homozygotes.

Submission:

GeneDx
Classification: Likely benign. Last evaluated: 2017-11-15. Review status: criteria provided, single submitter. Criteria: GeneDx Variant Classification (06012015). Collection method: clinical testing. Allele origin: germline. Affected: yes.
Comment: This variant is considered likely benign or benign based on one or more of the following criteria: it is a conservative change, it occurs at a poorly conserved position in the protein, it is predicted to be benign by multiple in silico algorithms, and/or has population frequency not consistent with disease.

NM_004522.3(KIF5C):c.589+7A>G

Gene: KIF5C (kinesin family member 5C; plus strand). Cytogenetic location: 2q23.1.
Variant type: single nucleotide variant.
Coding change: c.589+7A>G on transcript NM_004522.3 (MANE Select); 7 bases into the intron after coding-DNA position 589, A replaced by G.
Molecular consequence: intron variant.
Genome position (GRCh38, 1-based): chr2:148,942,767, A>G. VCF-style: chr2-148942767-A-G. GRCh37 (hg19) VCF-style: chr2-149799281-A-G.
Identifiers: ClinVar variation 513269 (VCV000513269.1), dbSNP rs1553465029, ClinGen allele CA658795862.